The following is an entry in ClinVar:

NM_153485.3(NUP155):c.2768-5A>G

Gene: NUP155 (nucleoporin 155; minus strand). Cytogenetic location: 5p13.2.
Variant type: single nucleotide variant.
Coding change: c.2768-5A>G on transcript NM_153485.3 (MANE Select); 5 bases into the intron before coding-DNA position 2768, A replaced by G.
Molecular consequence: intron variant.
Genome position (GRCh38, 1-based): chr5:37,307,437, T>C on the plus strand (A>G on the coding strand, the complement: NUP155 is on the minus strand). VCF-style: chr5-37307437-T-C. GRCh37 (hg19) VCF-style: chr5-37307539-T-C.
Other names: c.2576-5A>G (NM_001278312.2); c.2591-5A>G (NM_004298.4).
Identifiers: ClinVar variation 3047258 (VCV003047258.2), dbSNP rs1284253161, ClinGen allele CA810328921.

ClinVar aggregate classification (germline): Likely benign (0 of 4 stars; one submission).

Conditions:
NUP155-related disorder. Also called: NUP155-related condition.

Allele frequency attached by ClinVar (database versions not stated): gnomAD exomes below 0.00001; gnomAD 0.00001; TOPMed 0.00001.
gnomAD v4.1: 7 of 1,613,760 alleles (0.00043%); highest among the groups gnomAD compares: African/African-American, 0.0013%; no homozygotes.

Submission:

PreventionGenetics, part of Exact Sciences
Classification: Likely benign for NUP155-related condition. Last evaluated: 2020-03-19. Review status: no assertion criteria provided. Collection method: clinical testing. Allele origin: germline.
Comment: This variant is classified as likely benign based on ACMG/AMP sequence variant interpretation guidelines (Richards et al. 2015 PMID: 25741868, with internal and published modifications).